The following is an entry in ClinVar:

ClinVar aggregate classification (germline): Uncertain significance. Review status: criteria provided, multiple submitters, no conflicts (2 of 4 stars). 2 submissions from 2 submitters: Uncertain significance (2). Last evaluated 2023-10-13.

Conditions:
Inborn genetic diseases. Identifiers: MedGen C0950123, MeSH D030342.

Allele frequency attached by ClinVar (database versions not stated): gnomAD 0.00001; gnomAD exomes 0.00001 and 0.00005; ExAC 0.00004; TOPMed 0.00007.
gnomAD v4.1: 23 of 1,614,050 alleles (0.0014%); highest among the groups gnomAD compares: Admixed American, 0.03%; no homozygotes.

Submissions (2):

Labcorp Genetics (formerly Invitae), Labcorp
Classification: Uncertain significance. Last evaluated: 2023-10-13. Review status: criteria provided, single submitter. Criteria: Invitae Variant Classification Sherloc (09022015). Collection method: clinical testing. Allele origin: germline.
Comment: This sequence change replaces arginine, which is basic and polar, with cysteine, which is neutral and slightly polar, at codon 142 of the ARPC1B protein (p.Arg142Cys). This variant is present in population databases (rs760383089, gnomAD 0.04%). This variant has not been reported in the literature in individuals affected with ARPC1B-related conditions. ClinVar contains an entry for this variant (Variation ID: 1420938). Advanced modeling of protein sequence and biophysical properties (such as structural, functional, and spatial information, amino acid conservation, physicochemical variation, residue mobility, and thermodynamic stability) has been performed at Invitae for this missense variant, however the output from this modeling did not meet the statistical confidence thresholds required to predict the impact of this variant on ARPC1B protein function. In summary, the available evidence is currently insufficient to determine the role of this variant in disease. Therefore, it has been classified as a Variant of Uncertain Significance.

Ambry Genetics
Classification: Uncertain significance for Inborn genetic diseases. Last evaluated: 2023-08-08. Review status: criteria provided, single submitter. Criteria: Ambry Variant Classification Scheme 2023. Collection method: clinical testing. Allele origin: germline.

NM_005720.4(ARPC1B):c.424C>T (p.Arg142Cys)

Gene: ARPC1B (actin related protein 2/3 complex subunit 1B; plus strand). Cytogenetic location: 7q22.1.
Variant type: single nucleotide variant.
Coding change: c.424C>T on transcript NM_005720.4 (MANE Select); coding-DNA position 424, C replaced by T.
Protein change: p.Arg142Cys; replaces arginine 142 with cysteine.
Molecular consequence: missense variant.
Genome position (GRCh38, 1-based): chr7:99,389,936, C>T. VCF-style: chr7-99389936-C-T. GRCh37 (hg19) VCF-style: chr7-98987559-C-T.
Other names: c.424C>T (NM_005720.3); short protein forms R142C.
Identifiers: ClinVar variation 1420938 (VCV001420938.7), dbSNP rs760383089, ClinGen allele CA4364009.